The following is an entry in ClinVar:

ClinVar aggregate classification (germline): Benign/Likely benign. Review status: criteria provided, multiple submitters, no conflicts (2 of 4 stars). 3 submissions from 3 submitters: Benign (2); Likely benign (1). Last evaluated 2023-02-01.

Allele frequency attached by ClinVar (database versions not stated): 1000 Genomes Project 30x 0.00078; 1000 Genomes Project 0.00080; gnomAD 0.00200 and 0.00201; TOPMed 0.00207; ESP Exome Variant Server 0.00215; gnomAD exomes 0.00235 and 0.00292; ExAC 0.00268.
gnomAD v4.1: 4,535 of 1,612,662 alleles (0.28%); highest among the groups gnomAD compares: Middle Eastern, 0.68%; 11 homozygotes.

Submissions (3):

CeGaT Center for Human Genetics Tuebingen
Classification: Likely benign. Last evaluated: 2023-02-01. Review status: criteria provided, single submitter. Criteria: CeGaT Center For Human Genetics Tuebingen Variant Classification Criteria Version 2. Collection method: clinical testing. Allele origin: germline. Affected: yes. Observed: 2 variant alleles.
Comment: NGFR: BP4, BP7, BS2

Labcorp Genetics (formerly Invitae), Labcorp
Classification: Benign. Last evaluated: 2019-12-31. Review status: criteria provided, single submitter. Criteria: Invitae Variant Classification Sherloc (09022015). Collection method: clinical testing. Allele origin: germline.

Breakthrough Genomics
Classification: Benign. Review status: criteria provided, single submitter. Criteria: ACMG Guidelines, 2015. Collection method: not provided. Allele origin: germline. Inheritance: Unknown mechanism. Affected: yes.

NM_002507.4(NGFR):c.1185C>T (p.Ser395=)

Genes: NGFR (nerve growth factor receptor; plus strand), NGFR-AS1 (NGFR antisense RNA 1; minus strand). Cytogenetic location: 17q21.33.
Variant type: single nucleotide variant.
Coding change: c.1185C>T on transcript NM_002507.4 (MANE Select); coding-DNA position 1185, C replaced by T.
Protein change: p.Ser395=; no amino-acid change (serine 395 retained).
Molecular consequence: synonymous variant.
Genome position (GRCh38, 1-based): chr17:49,512,910, C>T. VCF-style: chr17-49512910-C-T. GRCh37 (hg19) VCF-style: chr17-47590272-C-T.
Identifiers: ClinVar variation 790429 (VCV000790429.29), dbSNP rs151178709, ClinGen allele CA8638725.